The following is an entry in ClinVar:

ClinVar aggregate classification (germline): Conflicting classifications of pathogenicity. Review status: criteria provided, conflicting classifications (1 of 4 stars). 16 submissions from 16 submitters: Uncertain significance (1); Benign (4); Likely benign (6). 5 of the submissions do not count toward it. Last evaluated 2026-09-01.

Conditions:
Bardet-Biedl syndrome (BBS). Identifiers: Orphanet 110, MedGen C0752166, MONDO:0015229.
McKusick-Kaufman syndrome (MKKS). Also called: HYDROMETROCOLPOS SYNDROME; HYDROMETROCOLPOS, POSTAXIAL POLYDACTYLY, AND CONGENITAL HEART MALFORMATION. Identifiers: Orphanet 2473, MedGen C0948368, MONDO:0009367, OMIM 236700.
Early onset severe obesity. Identifiers: MedGen C4013980.

Allele frequency attached by ClinVar (database versions not stated): gnomAD exomes 0.00812 and 0.00521; 1000 Genomes Project 30x 0.00187; gnomAD 0.00453 and 0.00508; 1000 Genomes Project 0.00180; TOPMed 0.00476; ExAC 0.00556.
gnomAD v4.1: 12,471 of 1,614,156 alleles (0.77%); highest among the groups gnomAD compares: Non-Finnish European, 0.97%; 73 homozygotes.

Submissions (16):

CeGaT Center for Human Genetics Tuebingen
Classification: Benign. Last evaluated: 2026-09-01. Review status: criteria provided, single submitter. Criteria: CeGaT Center For Human Genetics Tuebingen Variant Classification Criteria Version 2. Collection method: clinical testing. Allele origin: germline. Affected: yes. Observed: 13 variant alleles.
Comment: MKKS: BS1, BS2

Labcorp Genetics (formerly Invitae), Labcorp
Classification: Benign for McKusick-Kaufman syndrome; Bardet-Biedl syndrome. Last evaluated: 2026-02-04. Review status: criteria provided, single submitter. Criteria: Invitae Variant Classification Sherloc (09022015). Collection method: clinical testing. Allele origin: germline.

Mayo Clinic Laboratories, Mayo Clinic
Classification: Likely benign. Last evaluated: 2025-09-24. Review status: criteria provided, single submitter. Criteria: ACMG Guidelines, 2015. Collection method: clinical testing. Allele origin: germline. Observed: 4 variant alleles.
Comment: BS2, PS3_moderate

Blueprint Genetics
Classification: Likely benign. Last evaluated: 2024-11-26. Review status: criteria provided, single submitter. Criteria: ACMG Guidelines, 2015. Collection method: clinical testing. Allele origin: germline.

Cambridge Genomics Laboratory, East Genomic Laboratory Hub, NHS Genomic Medicine Service
Classification: Benign for Severe early-onset obesity. Last evaluated: 2023-11-15. Review status: criteria provided, single submitter. Criteria: ACGS Best Practice Guidelines for Variant Classification in Rare Disease 2020. Collection method: clinical testing. Allele origin: germline. Affected: yes.
Comment: The variant is observed in one or more well-documented healthy adults. (BS2 - Strong) | The p.Ala242Ser variant is observed in 1.099/113.418 (0.969%) alleles from individuals of gnomAD Non Finnish European background in gnomAD All. The p.Ala242Ser variant is observed in 9/5.008 (0.1797%) alleles from individuals of 1kG All background in 1kG All. The p.Ala242Ser variant is observed in 543/68.030 (0.7982%) alleles from individuals of gnomAD Genomes v3 Non Finnish European background in gnomAD Genomes v3 All, which is greater than expected for the disorder. (BS1 - Strong) | The p.Ala242Ser missense variant is predicted to be damaging by both SIFT and PolyPhen2. The nucleotide c.724 in MKKS is predicted conserved by GERP++ and PhyloP across 100 vertebrates. (PP3 - Supporting) | The variant was observed in gene where an existing pathogenic variant explains disorder. (BP2 - Supporting)

Mendelics
Classification: Benign for McKusick-Kaufman syndrome. Last evaluated: 2023-08-22. Review status: criteria provided, single submitter. Criteria: Mendelics Assertion Criteria 2019. Collection method: clinical testing. Allele origin: germline.

Women's Health and Genetics/Laboratory Corporation of America, LabCorp
Classification: Likely benign. Last evaluated: 2022-03-08. Review status: criteria provided, single submitter. Criteria: LabCorp Variant Classification Summary - May 2015. Collection method: clinical testing. Allele origin: germline.
Comment: Variant summary: MKKS c.724G>T (p.Ala242Ser) results in a conservative amino acid change in the encoded protein sequence. Four of five in-silico tools predict a damaging effect of the variant on protein function. The variant allele was found at a frequency of 0.0052 in 251040 control chromosomes in the gnomAD database, including 10 homozygotes. The observed variant frequency is approximately 6.9 fold of the estimated maximal expected allele frequency for a pathogenic variant in MKKS causing Bardet-Biedl Syndrome phenotype (0.00076), strongly suggesting that the variant is benign. Although reported in the literature, to our knowledge, no penetrant association of c.724G>T in individuals affected with Bardet-Biedl Syndrome/McKusick-Kaufman syndrome and no experimental evidence demonstrating its impact on protein function have been reported. Six clinical diagnostic laboratories have submitted clinical-significance assessments for this variant to ClinVar after 2014 without evidence for independent evaluation. Multiple laboratories reported the variant with conflicting assessments and a majority consensus as benign/likely benign. Based on the evidence outlined above, the variant was classified as likely benign.

Genetic Services Laboratory, University of Chicago
Classification: Likely benign. Last evaluated: 2020-01-10. Review status: criteria provided, single submitter. Criteria: ACMG Guidelines, 2015. Collection method: clinical testing. Allele origin: germline. Affected: no.

Eurofins Ntd Llc (ga)
Classification: Likely benign. Last evaluated: 2018-04-18. Review status: criteria provided, single submitter. Criteria: EGL ClinVar v180209 classification definitions. Collection method: clinical testing. Allele origin: germline. Observed: 10 variant alleles, 10 heterozygotes.

Illumina Laboratory Services, Illumina
Classification: Uncertain significance for McKusick-Kaufman syndrome. Last evaluated: 2017-04-27. Review status: criteria provided, single submitter. Criteria: ICSL Variant Classification Criteria 13 December 2019. Collection method: clinical testing. Allele origin: germline.
Comment: This variant was observed as part of a predisposition screen in an ostensibly healthy population. A literature search was performed for the gene, cDNA change, and amino acid change (where applicable). Publications were found based on this search. However, the evidence from the literature, in combination with allele frequency data from public databases where available, was not sufficient to rule this variant in or out of causing disease. Therefore, this variant is classified as a variant of unknown significance.

Center for Pediatric Genomic Medicine, Children's Mercy Hospital and Clinics
Classification: Likely benign. Last evaluated: 2017-01-25. Review status: criteria provided, single submitter. Criteria: ACMG Guidelines, 2015. Collection method: clinical testing. Allele origin: germline.
ClinVar note: Converted during submission from Likely Benign to Likely benign.

Clinical Genetics DNA and cytogenetics Diagnostics Lab, Erasmus MC, Erasmus Medical Center
Classification: Likely benign. Review status: no assertion criteria provided. Collection method: clinical testing. Allele origin: germline. Affected: yes. Study: VKGL Data-share Consensus. Not counted in ClinVar's aggregate classification.

Clinical Genetics, Academic Medical Center
Classification: Benign. Review status: no assertion criteria provided. Collection method: clinical testing. Allele origin: germline. Affected: yes. Study: VKGL Data-share Consensus. Not counted in ClinVar's aggregate classification.

Genome Diagnostics Laboratory, Amsterdam University Medical Center
Classification: Likely benign. Review status: no assertion criteria provided. Collection method: clinical testing. Allele origin: germline. Affected: yes. Study: VKGL Data-share Consensus. Not counted in ClinVar's aggregate classification.

Genome Diagnostics Laboratory, University Medical Center Utrecht
Classification: Likely benign. Review status: no assertion criteria provided. Collection method: clinical testing. Allele origin: germline. Affected: yes. Study: VKGL Data-share Consensus. Not counted in ClinVar's aggregate classification.

Laboratory of Diagnostic Genome Analysis, Leiden University Medical Center (LUMC)
Classification: Likely benign. Review status: no assertion criteria provided. Collection method: clinical testing. Allele origin: germline. Affected: yes. Study: VKGL Data-share Consensus. Not counted in ClinVar's aggregate classification.

Literature cited by the submitters: PubMed 10802661 (cited by 3 submitters); PubMed 15483080 (cited by Mayo Clinic Laboratories, Mayo Clinic); PubMed 16104012 (cited by Mayo Clinic Laboratories, Mayo Clinic); PubMed 18094050 (cited by 3 submitters); PubMed 20498079 (cited by Mayo Clinic Laboratories, Mayo Clinic and Eurofins Ntd Llc (ga)); PubMed 28753627 (cited by Mayo Clinic Laboratories, Mayo Clinic); PubMed 29588463 (cited by Mayo Clinic Laboratories, Mayo Clinic); PubMed 30504698 (cited by Mayo Clinic Laboratories, Mayo Clinic); PubMed 31028937 (cited by Mayo Clinic Laboratories, Mayo Clinic); PubMed 35835773 (cited by Mayo Clinic Laboratories, Mayo Clinic).

NM_170784.3(MKKS):c.724G>T (p.Ala242Ser)

Gene: MKKS (MKKS centrosomal shuttling protein; minus strand). Cytogenetic location: 20p12.2.
Variant type: single nucleotide variant.
Coding change: c.724G>T on transcript NM_170784.3 (MANE Select); coding-DNA position 724, G replaced by T.
Protein change: p.Ala242Ser; replaces alanine 242 with serine.
Molecular consequence: missense variant.
Genome position (GRCh38, 1-based): chr20:10,412,791, C>A on the plus strand (G>T on the coding strand, the complement: MKKS is on the minus strand). VCF-style: chr20-10412791-C-A. GRCh37 (hg19) VCF-style: chr20-10393439-C-A.
Other names: c.724G>T, p.Ala242Ser (NM_018848.3); short protein forms A242S.
Identifiers: ClinVar variation 167303 (VCV000167303.54), dbSNP rs74315394, ClinGen allele CA090940.